The following is an entry in ClinVar:

NM_005609.4(PYGM):c.2053A>T (p.Asn685Tyr)

Gene: PYGM (glycogen phosphorylase, muscle associated; minus strand). Cytogenetic location: 11q13.1.
Variant type: single nucleotide variant.
Coding change: c.2053A>T on transcript NM_005609.4 (MANE Select); coding-DNA position 2053, A replaced by T.
Protein change: p.Asn685Tyr; replaces asparagine 685 with tyrosine.
Molecular consequence: missense variant.
Genome position (GRCh38, 1-based): chr11:64,750,500, T>A on the plus strand (A>T on the coding strand, the complement: PYGM is on the minus strand). VCF-style: chr11-64750500-T-A. GRCh37 (hg19) VCF-style: chr11-64517972-T-A.
Other names: c.1789A>T, p.Asn597Tyr (NM_001164716.1); short protein forms N597Y, N685Y.
Identifiers: ClinVar variation 3902156 (VCV003902156.1).

ClinVar aggregate classification (germline): Uncertain significance (1 of 4 stars; one submission).

gnomAD v4.1: 1 of 1,614,226 alleles (0.000062%); highest among the groups gnomAD compares: Non-Finnish European, 0.000085%; no homozygotes.

Submission:

Women's Health and Genetics/Laboratory Corporation of America, LabCorp
Classification: Uncertain significance. Last evaluated: 2025-05-19. Review status: criteria provided, single submitter. Criteria: LabCorp Variant Classification Summary - May 2015. Collection method: clinical testing. Allele origin: germline.
Comment: Variant summary: PYGM c.2053A>T (p.Asn685Tyr) results in a non-conservative amino acid change in the encoded protein sequence. Algorithms developed to predict the effect of missense changes on protein structure and function all suggest that this variant is likely to be disruptive. The variant was absent in 251486 control chromosomes (gnomAD). c.2053A>T has been observed in individuals affected with Glycogen Storage Disease, Type V (Andreu_1999, Lucia_2012). These data indicate that the variant may be associated with disease. To our knowledge, no experimental evidence demonstrating an impact on protein function has been reported. The following publications have been ascertained in the context of this evaluation (PMID: 10382911, 22250184). No submitters have cited clinical-significance assessments for this variant to ClinVar. Based on the evidence outlined above, the variant was classified as VUS-possibly pathogenic.

Literature cited by the submitters: PubMed 22250184; PubMed 10382911.